The following is an entry in ClinVar:

NM_006231.4(POLE):c.3234C>A (p.Tyr1078Ter)

Gene: POLE (DNA polymerase epsilon, catalytic subunit; minus strand). Cytogenetic location: 12q24.33.
Variant type: single nucleotide variant.
Coding change: c.3234C>A on transcript NM_006231.4 (MANE Select); coding-DNA position 3234, C replaced by A.
Protein change: p.Tyr1078Ter; replaces tyrosine 1078 with a stop codon.
Molecular consequence: nonsense.
Genome position (GRCh38, 1-based): chr12:132,659,336, G>T on the plus strand (C>A on the coding strand, the complement: POLE is on the minus strand). VCF-style: chr12-132659336-G-T. GRCh37 (hg19) VCF-style: chr12-133235922-G-T.
Other names: short protein forms Y1078*.
Identifiers: ClinVar variation 4672158 (VCV004672158.1).

ClinVar aggregate classification (germline): Uncertain significance (1 of 4 stars; one submission).

Conditions:
Hereditary cancer-predisposing syndrome. Also called: Neoplastic Syndromes, Hereditary; Tumor predisposition; Hereditary Cancer Syndrome; Hereditary neoplastic syndrome. Identifiers: Orphanet 140162, MedGen C0027672, MeSH D009386, MONDO:0015356.

Submission:

Ambry Genetics
Classification: Uncertain significance for Hereditary cancer-predisposing syndrome. Last evaluated: 2025-11-06. Review status: criteria provided, single submitter. Criteria: Ambry Variant Classification Scheme 2023. Collection method: clinical testing. Allele origin: germline.
Comment: The p.Y1078* variant (also known as c.3234C>A), located in coding exon 26 of the POLE gene, results from a C to A substitution at nucleotide position 3234. This changes the amino acid from a tyrosine to a stop codon within coding exon 26. This alteration is expected to result in loss of function by premature protein truncation or nonsense-mediated mRNA decay. Although biallelic loss of function of POLE has been associated with autosomal recessive POLE deficiency, haploinsufficiency of POLE has not been established as a mechanism of disease for POLE-related polymerase proofreading-associated polyposis (PPAP) and POLE-related CMMRD-like syndrome. Based on the supporting evidence, this variant is expected to be causative of POLE deficiency when present along with a second pathogenic variant on the other allele; however, its clinical significance for PPAP and POLE-related CMMRD-like syndrome is unclear.